The following is an entry in ClinVar:

NM_001734.5(C1S):c.507G>C (p.Lys169Asn)

Gene: C1S (complement C1s; plus strand). Cytogenetic location: 12p13.31.
Variant type: single nucleotide variant.
Coding change: c.507G>C on transcript NM_001734.5 (MANE Select); coding-DNA position 507, G replaced by C.
Protein change: p.Lys169Asn; replaces lysine 169 with asparagine.
Molecular consequence: missense variant.
Genome position (GRCh38, 1-based): chr12:7,064,382, G>C. VCF-style: chr12-7064382-G-C. GRCh37 (hg19) VCF-style: chr12-7171686-G-C.
Other names: c.6G>C, p.Lys2Asn (NM_001346850.2); c.507G>C, p.Lys169Asn (NM_201442.4); short protein forms K2N, K169N.
Identifiers: ClinVar variation 1950186 (VCV001950186.5), dbSNP rs781790019, ClinGen allele CA6423468.

ClinVar aggregate classification (germline): Uncertain significance (1 of 4 stars; one submission).

Allele frequency attached by ClinVar (database versions not stated): gnomAD exomes below 0.00001; ExAC 0.00001.
gnomAD v4.1: 1 of 1,614,130 alleles (0.000062%); highest among the groups gnomAD compares: Non-Finnish European, 0.000085%; no homozygotes.

Submission:

Labcorp Genetics (formerly Invitae), Labcorp
Classification: Uncertain significance. Last evaluated: 2022-05-08. Review status: criteria provided, single submitter. Criteria: Invitae Variant Classification Sherloc (09022015). Collection method: clinical testing. Allele origin: germline.
Comment: This sequence change replaces lysine, which is basic and polar, with asparagine, which is neutral and polar, at codon 169 of the C1S protein (p.Lys169Asn). This variant is present in population databases (rs781790019, gnomAD 0.0009%). This variant has not been reported in the literature in individuals affected with C1S-related conditions. Algorithms developed to predict the effect of missense changes on protein structure and function are either unavailable or do not agree on the potential impact of this missense change (SIFT: "Deleterious"; PolyPhen-2: "Benign"; Align-GVGD: "Class C35"). In summary, the available evidence is currently insufficient to determine the role of this variant in disease. Therefore, it has been classified as a Variant of Uncertain Significance.